The following is an entry in ClinVar:

NM_000540.3(RYR1):c.5339C>G (p.Pro1780Arg)

Gene: RYR1 (ryanodine receptor 1; plus strand). Cytogenetic location: 19q13.2.
Variant type: single nucleotide variant.
Coding change: c.5339C>G on transcript NM_000540.3 (MANE Select); coding-DNA position 5339, C replaced by G.
Protein change: p.Pro1780Arg; replaces proline 1780 with arginine.
Molecular consequence: missense variant.
Genome position (GRCh38, 1-based): chr19:38,485,994, C>G. VCF-style: chr19-38485994-C-G. GRCh37 (hg19) VCF-style: chr19-38976634-C-G.
Other names: c.5339C>G, p.Pro1780Arg (NM_001042723.2); short protein forms P1780R.
Identifiers: ClinVar variation 451604 (VCV000451604.8), dbSNP rs369480385, ClinGen allele CA9415807.

ClinVar aggregate classification (germline): Uncertain significance. Review status: criteria provided, multiple submitters, no conflicts (2 of 4 stars). 4 submissions from 4 submitters: Uncertain significance (4). Last evaluated 2025-06-30.

Conditions:
Inborn genetic diseases. Identifiers: MedGen C0950123, MeSH D030342.
RYR1-related disorder. Also called: RYR1-related condition; RYR1-related disorders. Identifiers: MedGen CN239331.
Malignant hyperthermia, susceptibility to, 1 (MHS1). Also called: RYR1-Related Malignant Hyperthermia Susceptibility; Malignant hyperthermia suceptibility 1; Anesthesia related hyperthermia; Malignant hyperpyrexia; Fulminating hyperpyrexia; Pharmacogenic myopathy. Identifiers: Orphanet 423, MedGen C2930980, MONDO:0007783, OMIM 145600.

Allele frequency attached by ClinVar (database versions not stated): TOPMed 0.00002; ESP Exome Variant Server 0.00008.
gnomAD v4.1: 7 of 1,613,514 alleles (0.00043%); highest among the groups gnomAD compares: African/African-American, 0.0013%; no homozygotes.

Submissions (4):

Ambry Genetics
Classification: Uncertain significance for Inborn genetic diseases. Last evaluated: 2025-06-30. Review status: criteria provided, single submitter. Criteria: Ambry Variant Classification Scheme 2023. Collection method: clinical testing. Allele origin: germline.

All of Us Research Program, National Institutes of Health
Classification: Uncertain significance for Malignant hyperthermia, susceptibility to, 1. Last evaluated: 2024-09-27. Review status: criteria provided, single submitter. Criteria: ACMG Guidelines, 2015. Collection method: clinical testing. Allele origin: germline. Inheritance: Autosomal dominant inheritance. Observed: 2 variant alleles, 2 heterozygotes.
Comment: This missense variant replaces proline with arginine at codon 1780 of the RYR1 protein. Computational prediction suggests that this variant may not impact protein structure and function (internally defined REVEL score threshold <= 0.5, PMID: 27666373). To our knowledge, functional studies have not been reported for this variant. This variant has not been reported in individuals affected with RYR1-related disorders in the literature. This variant has been identified in 2/244864 chromosomes in the general population by the Genome Aggregation Database (gnomAD). The available evidence is insufficient to determine the role of this variant in disease conclusively. Therefore, this variant is classified as a Variant of Uncertain Significance.

This study involves interpretation of variants in research participants for the purpose of population health screening. Participant phenotype was not available at the time of variant classification. Additional details can be found in publication PMID: 35346344, PMCID: PMC8962531

Labcorp Genetics (formerly Invitae), Labcorp
Classification: Uncertain significance for RYR1-related disorder. Last evaluated: 2023-08-10. Review status: criteria provided, single submitter. Criteria: Invitae Variant Classification Sherloc (09022015). Collection method: clinical testing. Allele origin: germline.
Comment: ClinVar contains an entry for this variant (Variation ID: 451604). This sequence change replaces proline, which is neutral and non-polar, with arginine, which is basic and polar, at codon 1780 of the RYR1 protein (p.Pro1780Arg). This variant is present in population databases (rs369480385, gnomAD 0.007%). This variant has not been reported in the literature in individuals affected with RYR1-related conditions. Advanced modeling of protein sequence and biophysical properties (such as structural, functional, and spatial information, amino acid conservation, physicochemical variation, residue mobility, and thermodynamic stability) performed at Invitae indicates that this missense variant is not expected to disrupt RYR1 protein function. In summary, the available evidence is currently insufficient to determine the role of this variant in disease. Therefore, it has been classified as a Variant of Uncertain Significance.

GeneDx
Classification: Uncertain significance. Last evaluated: 2018-08-07. Review status: criteria provided, single submitter. Criteria: GeneDx Variant Classification (06012015). Collection method: clinical testing. Allele origin: germline. Affected: yes.
Comment: A variant of uncertain significance has been identified in the RYR1 gene. The P1780R variant has not been published as a pathogenic variant, nor has it been reported as a benign variant to our knowledge. The RYR1 variant is not observed at a significant frequency in large population cohorts (Lek et al., 2016; 1000 Genomes Consortium et al., 2015; Exome Variant Server). The P1780R variant is a non-conservative amino acid substitution, which is likely to impact secondary protein structure as these residues differ in polarity, charge, size and/or other properties. This substitution occurs at a position that is conserved in mammals. However, missense variants in nearby residues have not been reported in the Human Gene Mutation Database (Stenson et al., 2014). In silico analysis is inconsistent in its predictions as to whether or not the variant is damaging to the protein structure/function. Therefore, based on the currently available information, it is unclear whether this variant is a pathogenic variant or a rare benign variant.